The following is an entry in ClinVar:

ClinVar aggregate classification (germline): Conflicting classifications of pathogenicity. Review status: criteria provided, conflicting classifications (1 of 4 stars). 16 submissions from 16 submitters: Uncertain significance (12); Likely benign (2). 2 of the submissions do not count toward it. Last evaluated 2026-03-24.

Conditions:
CFTR-related disorder (CFTR-RD). Also called: CFTR-related disorders; CFTR-related condition. Identifiers: MedGen C5924204, MONDO:7770004.
Cystic fibrosis (CF). Also called: MUCOVISCIDOSIS. Identifiers: Orphanet 586, MedGen C0010674, MONDO:0009061, OMIM 219700. Disease mechanism: loss of function.

Allele frequency attached by ClinVar (database versions not stated): ExAC 0.00019; 1000 Genomes Project 0.00020; gnomAD 0.00022 and 0.00025; gnomAD exomes 0.00026 and 0.00057; TOPMed 0.00028; 1000 Genomes Project 30x 0.00047; ESP Exome Variant Server 0.00085.

Submissions 1 to 8 of 16:

Women's Health and Genetics/Laboratory Corporation of America, LabCorp
Classification: Uncertain significance. Last evaluated: 2026-03-24. Review status: criteria provided, single submitter. Criteria: LabCorp Variant Classification Summary - May 2015. Collection method: clinical testing. Allele origin: germline.
Comment: Variant summary: CFTR c.221G>A (p.Arg74Gln) results in a conservative amino acid change in the encoded protein sequence. Algorithms developed to predict the effect of missense changes on protein structure and function are either unavailable or do not agree on the potential impact of this missense change. The variant allele was found at a frequency of 0.00026 in 254510 control chromosomes. This frequency is not significantly higher than estimated for disease-causing variants in CFTR, allowing no conclusion about variant significance. The variant has been reported in one patient with a CFTR-related disorder (unspecified phenotype) however, this patient also carried a pathogenic CFTR variant (c.3846G>A, p.W1282X) in cis, suggesting the variant of interest is not causative in this case (Trujillano_2013). c.221G>A has been observed in individuals affected with pancreatitis (e.g. Keiles_2006, Steiner_2011, Rosendahl_2012, Masson_2013, LaRusch_2014). In several patients, the variant was reported together with p.R297Q (phase not specified), and this co-occurring variant (i.e. c.890G>A, p.Arg297Gln), has also been reported in several patients with idiopathic pancreatitis. The variant of interest was also found to be associated with pancreatitis in a case-control study when patients also have the SPINK1 pathogenic mutation p.N34S (LaRusch_2014). This study reported experimental evidence that the c.221G>A, p.Arg74Gln variant results in significantly reduced bicarbonate channel function (LaRusch_2014). Similarly, another functional study has reported that the variant impairs the association of CFTR with WNK1, reducing WNK1-mediated regulation of HCO3- channel activity (Kim_2019). Authors of the former study (LaRusch_2014) concluded that variants that impair bicarbonate permeation may increase the risk for pancreatitis, but not for cystic fibrosis. In contrast, a recent meta-analysis of CFTR variants characterized by a selective bicarbonate conductance defect did not find a significant association of p.Arg74Gln with chronic pancreatitis (Berke_2022). The following publications have been ascertained in the context of this evaluation (PMID: 36264955, 38388235, 17003641, 34973142, 31561038, 25033378, 23951356, 20416310, 29859674, 25735457, 34782259, 22427236, 16049310, 21520337, 25087612, 23687349). ClinVar contains an entry for this variant (Variation ID: 53456). Based on the evidence outlined above, the variant was classified as uncertain significance.

PreventionGenetics, part of Exact Sciences
Classification: Likely benign for CFTR-related condition. Last evaluated: 2025-07-25. Review status: criteria provided, single submitter. Criteria: ACMG Guidelines, 2015. Collection method: clinical testing. Allele origin: germline.
Comment: This variant is classified as likely benign based on ACMG/AMP sequence variant interpretation guidelines (Richards et al. 2015 PMID: 25741868, with internal and published modifications).

Quest Diagnostics Nichols Institute San Juan Capistrano
Classification: Uncertain significance. Last evaluated: 2025-06-14. Review status: criteria provided, single submitter. Criteria: Quest Diagnostics criteria. Collection method: clinical testing. Allele origin: unknown.
Comment: The CFTR c.221G>A (p.Arg74Gln) variant has been reported in the published literature in an individual with cystic fibrosis (PMID: 34782259 (2021)), and in multiple individuals with CFTR-related disorders (PMID 38871151 (2024), 36264955 (2022), 31845523 (2020), 25033378 (2014), 22427236 (2013), 21520337 (2011), 20460947 (2010), 17003641 (2006)). Functional studies indicate this variant has neutral to moderate effect on CFTR chloride transport, with reduced bicarbonate permeability and conductance (PMID: 38388235 (2024), 31561038 (2020), 25033378 (2014)). The frequency of this variant in the general population (Genome Aggregation Database) is uninformative in the assessment of its pathogenicity. Analysis of this variant using bioinformatics tools for the prediction of the effect of amino acid changes on protein structure and function yielded conflicting predictions that this variant is deleterious or benign. Based on the available information, we are unable to determine the clinical significance of this variant.

CeGaT Center for Human Genetics Tuebingen
Classification: Uncertain significance. Last evaluated: 2025-06-01. Review status: criteria provided, single submitter. Criteria: CeGaT Center For Human Genetics Tuebingen Variant Classification Criteria Version 2. Collection method: clinical testing. Allele origin: germline. Affected: yes. Observed: 1 variant allele.
Comment: CFTR: PM2

Ambry Genetics
Classification: Uncertain significance for Cystic fibrosis. Last evaluated: 2024-10-04. Review status: criteria provided, single submitter. Criteria: Ambry Variant Classification Scheme 2023. Collection method: clinical testing. Allele origin: germline.
Comment: The p.R74Q variant (also known as c.221G>A), located in coding exon 3 of the CFTR gene, results from a G to A substitution at nucleotide position 221. The arginine at codon 74 is replaced by glutamine, an amino acid with highly similar properties. This variant was reported in an individual with idiopathic chronic pancreatitis who was negative for mutations in the PRSS1 gene (Rosendahl J et al. Pancreatology, 2010 May;10:165-72). Functional studies found that this variant did not affect chloride current density, but significantly reduced bicarbonate permeability and conductance in HEK 293T cells, which may increase the risk of pancreatitis (LaRusch J et al. PLoS Genet., 2014 Jul;10:e1004376; Kim Y et al. Cell Mol Gastroenterol Hepatol, 2020 Sep;9:79-103). This amino acid position is well conserved in available vertebrate species. In addition, this alteration is predicted to be deleterious by in silico analysis. Based on available evidence, this variant is unlikely to be causative of classic CF, however its clinical contribution to the development of a CFTR-related disorder is uncertain.

Blueprint Genetics
Classification: Uncertain significance. Last evaluated: 2024-09-03. Review status: criteria provided, single submitter. Criteria: ACMG Guidelines, 2015. Collection method: clinical testing. Allele origin: germline.

ARUP Laboratories, Molecular Genetics and Genomics, ARUP Laboratories
Classification: Uncertain significance. Last evaluated: 2024-01-31. Review status: criteria provided, single submitter. Criteria: ARUP Molecular Germline Variant Investigation Process 2024. Collection method: clinical testing. Allele origin: germline.
Comment: The CFTR c.221G>A; p.Arg74Gln variant (rs142540482) has been reported in multiple pancreatitis patients (Keiles 2006, Masson 2013, Rosendahl 2013, LaRusch 2014) but did not show significant enrichment in patients compared to unaffected individuals (Rosendahl 2013, LaRusch 2014). Functional studies indicate that the variant protein has a defect in bicarbonate transport, but has no impact on chloride transport activity (LaRusch 2014, Kim 2020). This variant is reported in ClinVar (Variation ID: 53456) and is found in the non-Finnish European population with an allele frequency of 0.05% (64/128878 alleles) in the Genome Aggregation Database (v2.1.1). Computational algorithms are uncertain whether this variant is neutral or deleterious (REVEL: 0.483). Due to the limited and conflicting information regarding this variant, its clinical significance cannot be determined with certainty. References: Kim Y et al. Regulation of CFTR Bicarbonate Channel Activity by WNK1: Implications for Pancreatitis and CFTR-Related Disorders. Cell Mol Gastroenterol Hepatol. 2020;9(1):79-103. PMID: 31561038. Keiles S et al. Identification of CFTR, PRSS1, and SPINK1 mutations in 381 patients with pancreatitis. Pancreas. 2006 33(3):221-7. PMID: 17003641 LaRusch J et al. Mechanisms of CFTR functional variants that impair regulated bicarbonate permeation and increase risk for pancreatitis but not for cystic fibrosis. PLoS Genet. 2014 10(7):e1004376. PMID: 25033378. Masson E et al. A conservative assessment of the major genetic causes of idiopathic chronic pancreatitis: data from a comprehensive analysis of PRSS1, SPINK1, CTRC and CFTR genes in 253 young French patients. PLoS One. 2013 8(8):e73522. PMID: 23951356. Rosendahl J et al. CFTR, SPINK1, CTRC and PRSS1 variants in chronic pancreatitis: is the role of mutated CFTR overestimated? 2013 Gut. 62(4):582-92. PMID: 22427236.

Johns Hopkins Genomics, Johns Hopkins University
Classification: Uncertain significance for Cystic fibrosis. Last evaluated: 2023-02-13. Review status: criteria provided, single submitter. Criteria: ACMG Guidelines, 2015. Collection method: clinical testing. Allele origin: germline.
Comment: Previously reported CFTR variant that has been identified in individuals with pancreatitis and has an entry in ClinVar (Variation ID: 53456). This CFTR variant (rs142540482) is rare (<0.1%) in a large population dataset (gnomADv2.1.1: 72/282380 total alleles; 0.0255%; no homozygotes). Functional studies have shown that this variant has a normal chloride current, but impaired conductance of and permeability to bicarbonate. The latter has been be associated with pancreatitis risk. The clinical significance of this variant is uncertain at this time.

NM_000492.4(CFTR):c.221G>A (p.Arg74Gln)

Gene: CFTR (CF transmembrane conductance regulator; plus strand). Cytogenetic location: 7q31.2.
Variant type: single nucleotide variant.
Coding change: c.221G>A on transcript NM_000492.4 (MANE Select); coding-DNA position 221, G replaced by A.
Protein change: p.Arg74Gln; replaces arginine 74 with glutamine.
Molecular consequence: missense variant.
Genome position (GRCh38, 1-based): chr7:117,509,090, G>A. VCF-style: chr7-117509090-G-A. GRCh37 (hg19) VCF-style: chr7-117149144-G-A.
Other names: short protein forms R74Q.
Identifiers: ClinVar variation 53456 (VCV000053456.51), dbSNP rs142540482, ClinGen allele CA243179.